The following is an entry in ClinVar:

NM_015602.4(TOR1AIP1):c.514A>G (p.Ile172Val)

Gene: TOR1AIP1 (torsin 1A interacting protein 1; plus strand). Cytogenetic location: 1q25.2.
Variant type: single nucleotide variant.
Coding change: c.514A>G on transcript NM_015602.4 (MANE Select); coding-DNA position 514, A replaced by G.
Protein change: p.Ile172Val; replaces isoleucine 172 with valine.
Molecular consequence: missense variant.
Genome position (GRCh38, 1-based): chr1:179,884,730, A>G. VCF-style: chr1-179884730-A-G. GRCh37 (hg19) VCF-style: chr1-179853865-A-G.
Other names: c.514A>G, p.Ile172Val (NM_001267578.2); short protein forms I172V.
Identifiers: ClinVar variation 648004 (VCV000648004.4), dbSNP rs1571720874, ClinGen allele CA343579305.

ClinVar aggregate classification (germline): Uncertain significance (1 of 4 stars; one submission).

Conditions:
Autosomal recessive limb-girdle muscular dystrophy type 2Y (MRRSDC). Also called: Muscular dystrophy, limb-girdle, type 2y; Muscular dystrophy, autosomal recessive, with rigid spine and distal joint contractures. Identifiers: Orphanet 424261, MedGen C4511482, MONDO:0014900, OMIM 617072.

Allele frequency attached by ClinVar (database versions not stated): gnomAD exomes below 0.00001.
gnomAD v4.1: 1 of 1,612,228 alleles (0.000062%); highest among the groups gnomAD compares: Non-Finnish European, 0.000085%; no homozygotes.

Submission:

Labcorp Genetics (formerly Invitae), Labcorp
Classification: Uncertain significance for Autosomal recessive limb-girdle muscular dystrophy type 2Y. Last evaluated: 2022-07-06. Review status: criteria provided, single submitter. Criteria: Invitae Variant Classification Sherloc (09022015). Collection method: clinical testing. Allele origin: germline.
Comment: In summary, the available evidence is currently insufficient to determine the role of this variant in disease. Therefore, it has been classified as a Variant of Uncertain Significance. Algorithms developed to predict the effect of missense changes on protein structure and function output the following: SIFT: "Tolerated"; PolyPhen-2: "Benign"; Align-GVGD: "Class C0". The valine amino acid residue is found in multiple mammalian species, which suggests that this missense change does not adversely affect protein function. ClinVar contains an entry for this variant (Variation ID: 648004). This variant has not been reported in the literature in individuals affected with TOR1AIP1-related conditions. This variant is not present in population databases (gnomAD no frequency). This sequence change replaces isoleucine, which is neutral and non-polar, with valine, which is neutral and non-polar, at codon 172 of the TOR1AIP1 protein (p.Ile172Val).